The following is an entry in ClinVar:

NM_005751.5(AKAP9):c.8350G>T (p.Gly2784Trp)

Gene: AKAP9 (A-kinase anchoring protein 9; plus strand). Cytogenetic location: 7q21.2.
Variant type: single nucleotide variant.
Coding change: c.8350G>T on transcript NM_005751.5 (MANE Select); coding-DNA position 8350, G replaced by T.
Protein change: p.Gly2784Trp; replaces glycine 2784 with tryptophan.
Molecular consequence: missense variant.
Genome position (GRCh38, 1-based): chr7:92,083,359, G>T. VCF-style: chr7-92083359-G-T. GRCh37 (hg19) VCF-style: chr7-91712673-G-T.
Other names: c.2995G>T, p.Gly999Trp (NM_001379277.1); c.8326G>T, p.Gly2776Trp (NM_147185.3); short protein forms G2784W, G999W, G2776W.
Identifiers: ClinVar variation 4613397 (VCV004613397.1).

ClinVar aggregate classification (germline): Uncertain significance (1 of 4 stars; one submission).

Conditions:
Cardiovascular phenotype. Identifiers: MedGen CN230736.

Submission:

Ambry Genetics
Classification: Uncertain significance for Cardiovascular phenotype. Last evaluated: 2025-10-26. Review status: criteria provided, single submitter. Criteria: Ambry Variant Classification Scheme 2023. Collection method: clinical testing. Allele origin: germline.
Comment: The p.G2784W variant (also known as c.8350G>T), located in coding exon 33 of the AKAP9 gene, results from a G to T substitution at nucleotide position 8350. The glycine at codon 2784 is replaced by tryptophan, an amino acid with highly dissimilar properties. This amino acid position is conserved. In addition, this alteration is predicted to be tolerated by in silico analysis. Based on the available evidence, the clinical significance of this variant remains unclear.